The following is an entry in ClinVar:

NM_177438.3(DICER1):c.2369G>A (p.Arg790Gln)

Gene: DICER1 (dicer 1, ribonuclease III; minus strand). Cytogenetic location: 14q32.13.
Variant type: single nucleotide variant.
Coding change: c.2369G>A on transcript NM_177438.3 (MANE Select); coding-DNA position 2369, G replaced by A.
Protein change: p.Arg790Gln; replaces arginine 790 with glutamine.
Molecular consequence: missense variant. On other transcripts: non-coding transcript variant (6).
Genome position (GRCh38, 1-based): chr14:95,108,391, C>T on the plus strand (G>A on the coding strand, the complement: DICER1 is on the minus strand). VCF-style: chr14-95108391-C-T. GRCh37 (hg19) VCF-style: chr14-95574728-C-T.
Other names: c.2369G>A, p.Arg790Gln (NM_001195573.1, NM_001271282.3, NM_001291628.2 and 13 more transcripts); c.2087G>A, p.Arg696Gln (NM_001395686.1); c.1964G>A, p.Arg655Gln (NM_001395687.1, NM_001395688.1, NM_001395689.1 and 2 more transcripts); c.1802G>A, p.Arg601Gln (NM_001395691.1); c.686G>A, p.Arg229Gln (NM_001395697.1); short protein forms R601Q, R696Q, R655Q, R790Q, R229Q.
Identifiers: ClinVar variation 2870507 (VCV002870507.3), dbSNP rs762784970, ClinGen allele CA265909832.

ClinVar aggregate classification (germline): Uncertain significance (1 of 4 stars; one submission).

Conditions:
DICER1-related tumor predisposition. Also called: DICER1-related pleuropulmonary blastoma cancer predisposition syndrome; DICER1 syndrome. Identifiers: Orphanet 284343, MedGen C3839822, MONDO:0100216.

Allele frequency attached by ClinVar (database versions not stated): gnomAD exomes below 0.00001.
gnomAD v4.1: 1 of 1,614,054 alleles (0.000062%); highest among the groups gnomAD compares: Non-Finnish European, 0.000085%; no homozygotes.

Submission:

Labcorp Genetics (formerly Invitae), Labcorp
Classification: Uncertain significance for DICER1-related tumor predisposition. Last evaluated: 2024-06-09. Review status: criteria provided, single submitter. Criteria: Invitae Variant Classification Sherloc (09022015). Collection method: clinical testing. Allele origin: germline.
Comment: This sequence change replaces arginine, which is basic and polar, with glutamine, which is neutral and polar, at codon 790 of the DICER1 protein (p.Arg790Gln). This variant is not present in population databases (gnomAD no frequency). This variant has not been reported in the literature in individuals affected with DICER1-related conditions. Advanced modeling of protein sequence and biophysical properties (such as structural, functional, and spatial information, amino acid conservation, physicochemical variation, residue mobility, and thermodynamic stability) performed at Invitae indicates that this missense variant is expected to disrupt DICER1 protein function with a positive predictive value of 80%. In summary, the available evidence is currently insufficient to determine the role of this variant in disease. Therefore, it has been classified as a Variant of Uncertain Significance.